The following is an entry in ClinVar:

ClinVar aggregate classification (germline): Uncertain significance. Review status: criteria provided, multiple submitters, no conflicts (2 of 4 stars). 2 submissions from 2 submitters: Uncertain significance (2). Last evaluated 2026-09-09.

Conditions:
Inborn genetic diseases. Identifiers: MedGen C0950123, MeSH D030342.

Allele frequency attached by ClinVar (database versions not stated): ExAC 0.00001; gnomAD 0.00015; gnomAD exomes 0.00001; TOPMed 0.00013.
gnomAD v4.1: 35 of 1,609,638 alleles (0.0022%); highest among the groups gnomAD compares: African/African-American, 0.036%; 1 homozygote.

Submissions (2):

Ambry Genetics
Classification: Uncertain significance for Inborn genetic diseases. Last evaluated: 2026-09-09. Review status: criteria provided, single submitter. Criteria: Ambry Variant Classification Scheme 2023. Collection method: clinical testing. Allele origin: germline.

Labcorp Genetics (formerly Invitae), Labcorp
Classification: Uncertain significance. Last evaluated: 2025-06-12. Review status: criteria provided, single submitter. Criteria: Invitae Variant Classification Sherloc (09022015). Collection method: clinical testing. Allele origin: germline.
Comment: This sequence change replaces asparagine, which is neutral and polar, with isoleucine, which is neutral and non-polar, at codon 716 of the LAMA5 protein (p.Asn716Ile). This variant is present in population databases (rs775234449, gnomAD 0.03%). This variant has not been reported in the literature in individuals affected with LAMA5-related conditions. ClinVar contains an entry for this variant (Variation ID: 2711972). An algorithm developed to predict the effect of missense changes on protein structure and function (PolyPhen-2) suggests that this variant is likely to be disruptive. In summary, the available evidence is currently insufficient to determine the role of this variant in disease. Therefore, it has been classified as a Variant of Uncertain Significance.

NM_005560.6(LAMA5):c.2147A>T (p.Asn716Ile)

Gene: LAMA5 (laminin subunit alpha 5; minus strand). Cytogenetic location: 20q13.33.
Variant type: single nucleotide variant.
Coding change: c.2147A>T on transcript NM_005560.6 (MANE Select); coding-DNA position 2147, A replaced by T.
Protein change: p.Asn716Ile; replaces asparagine 716 with isoleucine.
Molecular consequence: missense variant.
Genome position (GRCh38, 1-based): chr20:62,337,607, T>A on the plus strand (A>T on the coding strand, the complement: LAMA5 is on the minus strand). VCF-style: chr20-62337607-T-A. GRCh37 (hg19) VCF-style: chr20-60912663-T-A.
Other names: c.2147A>T (NM_005560.3); short protein forms N716I.
Identifiers: ClinVar variation 2711972 (VCV002711972.5), dbSNP rs775234449, ClinGen allele CA9943615.
Genomic context (GRCh38, chr20:62,337,607, plus strand): 5'-CACAGGCCCGGCACCTGGTGCACACAGCCACCTGCCTGCTCACCTTCGCAGTAGGGGAAG[T>A]TGTAGGCACCGGGCACACATGTGTCACACCGCAGCCCCGTCACACGGGGCCGGCAGCTGC-3'
Protein context (NP_005551.3, residues 706-726): RCDTCVPGAY[Asn716Ile]FPYCEAGSCH